The following is an entry in ClinVar:

ClinVar aggregate classification (germline): Uncertain significance (1 of 4 stars; one submission).

Submission:

Labcorp Genetics (formerly Invitae), Labcorp
Classification: Uncertain significance. Last evaluated: 2021-08-11. Review status: criteria provided, single submitter. Criteria: Invitae Variant Classification Sherloc (09022015). Collection method: clinical testing. Allele origin: germline.
Comment: In summary, the available evidence is currently insufficient to determine the role of this variant in disease. Therefore, it has been classified as a Variant of Uncertain Significance. Algorithms developed to predict the effect of missense changes on protein structure and function (SIFT, PolyPhen-2, Align-GVGD) all suggest that this variant is likely to be tolerated. This variant has not been reported in the literature in individuals affected with FGF12-related conditions. This variant is not present in population databases (ExAC no frequency). This sequence change replaces valine with isoleucine at codon 115 of the FGF12 protein (p.Val115Ile). The valine residue is highly conserved and there is a small physicochemical difference between valine and isoleucine.

NM_004113.6(FGF12):c.157G>A (p.Val53Ile)

Gene: FGF12 (fibroblast growth factor 12; minus strand). Cytogenetic location: 3q28.
Variant type: single nucleotide variant.
Coding change: c.157G>A on transcript NM_004113.6 (MANE Select); coding-DNA position 157, G replaced by A.
Protein change: p.Val53Ile; replaces valine 53 with isoleucine.
Molecular consequence: missense variant.
Genome position (GRCh38, 1-based): chr3:192,335,432, C>T on the plus strand (G>A on the coding strand, the complement: FGF12 is on the minus strand). VCF-style: chr3-192335432-C-T. GRCh37 (hg19) VCF-style: chr3-192053221-C-T.
Other names: c.46G>A, p.Val16Ile (NM_001377292.1); c.85G>A, p.Val29Ile (NM_001377293.1, NM_001377294.1); c.343G>A, p.Val115Ile (NM_021032.5); short protein forms V53I, V16I, V115I, V29I.
Identifiers: ClinVar variation 1474007 (VCV001474007.6), dbSNP rs2108699844, ClinGen allele CA355866457.